The following is an entry in ClinVar:

ClinVar aggregate classification (germline): Likely benign. Review status: criteria provided, multiple submitters, no conflicts (2 of 4 stars). 2 submissions from 2 submitters: Likely benign (2). Last evaluated 2023-04-01.

Conditions:
Megalencephalic leukoencephalopathy with subcortical cysts 1 (MLC1). Also called: LEUKOENCEPHALOPATHY WITH SWELLING AND CYSTS; VACUOLATING MEGALENCEPHALIC LEUKOENCEPHALOPATHY WITH SUBCORTICAL CYSTS. Identifiers: Orphanet 2478, MedGen C5779875, MONDO:0024555, OMIM 604004.

Allele frequency attached by ClinVar (database versions not stated): gnomAD 0.00332 and 0.00362; 1000 Genomes Project 30x 0.00375; 1000 Genomes Project 0.00439; gnomAD exomes 0.00725.
gnomAD v4.1: 547 of 152,420 alleles (0.36%); highest among the groups gnomAD compares: South Asian, 1.4%; 2 homozygotes.

Submissions (2):

CeGaT Center for Human Genetics Tuebingen
Classification: Likely benign. Last evaluated: 2023-04-01. Review status: criteria provided, single submitter. Criteria: CeGaT Center For Human Genetics Tuebingen Variant Classification Criteria Version 2. Collection method: clinical testing. Allele origin: germline. Affected: yes. Observed: 3 variant alleles.
Comment: MLC1: BS1

Illumina Laboratory Services, Illumina
Classification: Likely benign for Megalencephalic leukoencephalopathy with subcortical cysts 1. Last evaluated: 2018-01-13. Review status: criteria provided, single submitter. Criteria: ICSL Variant Classification Criteria 13 December 2019. Collection method: clinical testing. Allele origin: germline.
Comment: This variant was observed in the ICSL laboratory as part of a predisposition screen in an ostensibly healthy population. It had not been previously curated by ICSL or reported in the Human Gene Mutation Database (HGMD: prior to June 1st, 2018), and was therefore a candidate for classification through an automated scoring system. Utilizing variant allele frequency, disease prevalence and penetrance estimates, and inheritance mode, an automated score was calculated to assess if this variant is too frequent to cause the disease. Based on the score and internal cut-off values, a variant classified as likely benign is not then subjected to further curation. The score for this variant resulted in a classification of likely benign for this disease.

NM_015166.4(MLC1):c.*1499C>T

Gene: MLC1 (modulator of VRAC current 1; minus strand). Cytogenetic location: 22q13.33.
Variant type: single nucleotide variant.
Coding change: c.*1499C>T on transcript NM_015166.4 (MANE Select); 1499 bases downstream of the stop codon, C replaced by T.
Molecular consequence: 3 prime UTR variant. On other transcripts: non-coding transcript variant (3).
Genome position (GRCh38, 1-based): chr22:50,060,084, G>A on the plus strand (C>T on the coding strand, the complement: MLC1 is on the minus strand). VCF-style: chr22-50060084-G-A. GRCh37 (hg19) VCF-style: chr22-50498513-G-A.
Other names: c.*1499C>T (NM_001376472.1, NM_001376473.1, NM_001376474.1 and 9 more transcripts); c.*114C>T (NM_001376477.1, NM_001376478.1).
Identifiers: ClinVar variation 342080 (VCV000342080.32), dbSNP rs144067372, ClinGen allele CA10651493.